The following is an entry in ClinVar:

ClinVar aggregate classification (germline): Uncertain significance (1 of 4 stars; one submission).

gnomAD v4.1: 8 of 1,612,042 alleles (0.0005%); highest among the groups gnomAD compares: African/African-American, 0.0053%; no homozygotes.

Submission:

Women's Health and Genetics/Laboratory Corporation of America, LabCorp
Classification: Uncertain significance. Last evaluated: 2025-01-28. Review status: criteria provided, single submitter. Criteria: LabCorp Variant Classification Summary - May 2015. Collection method: clinical testing. Allele origin: germline.
Comment: Variant summary: SKIV2L c.1312G>A (p.Glu438Lys) results in a conservative amino acid change located in the DEXH-box helicase domain of the encoded protein sequence. Three of five in-silico tools predict a damaging effect of the variant on protein function. The variant was absent in 246146 control chromosomes. c.1312G>A has been reported in the literature as homozygous in an individual with symptoms of Trichohepatoenteric Syndrome (Bourgeois_2018). These data indicate that the variant may be associated with disease. To our knowledge, no experimental evidence demonstrating an impact on protein function has been reported. The following publication has been ascertained in the context of this evaluation (PMID: 29527791). No submitters have cited clinical-significance assessments for this variant to ClinVar. Based on the evidence outlined above, the variant was classified as VUS-possibly pathogenic.

Literature cited by the submitters: PubMed 29527791.

NM_006929.5(SKIC2):c.1312G>A (p.Glu438Lys)

Gene: SKIC2 (SKI2 subunit of superkiller complex; plus strand). Cytogenetic location: 6p21.33.
Variant type: single nucleotide variant.
Coding change: c.1312G>A on transcript NM_006929.5 (MANE Select); coding-DNA position 1312, G replaced by A.
Protein change: p.Glu438Lys; replaces glutamic acid 438 with lysine.
Molecular consequence: missense variant.
Genome position (GRCh38, 1-based): chr6:31,963,000, G>A. VCF-style: chr6-31963000-G-A. GRCh37 (hg19) VCF-style: chr6-31930777-G-A.
Other names: short protein forms E438K.
Identifiers: ClinVar variation 3772684 (VCV003772684.1).